The following is an entry in ClinVar:

NM_005026.5(PIK3CD):c.1501G>A (p.Val501Met)

Gene: PIK3CD (phosphatidylinositol-4,5-bisphosphate 3-kinase catalytic subunit delta; plus strand). Cytogenetic location: 1p36.22.
Variant type: single nucleotide variant.
Coding change: c.1501G>A on transcript NM_005026.5 (MANE Select); coding-DNA position 1501, G replaced by A.
Protein change: p.Val501Met; replaces valine 501 with methionine.
Molecular consequence: missense variant.
Genome position (GRCh38, 1-based): chr1:9,720,641, G>A. VCF-style: chr1-9720641-G-A. GRCh37 (hg19) VCF-style: chr1-9780699-G-A.
Other names: c.1501G>A, p.Val501Met (NM_001350234.2); c.1414G>A, p.Val472Met (NM_001350235.1); short protein forms V501M, V472M.
Identifiers: ClinVar variation 1499300 (VCV001499300.8), dbSNP rs999028906, ClinGen allele CA17780013.

ClinVar aggregate classification (germline): Uncertain significance (1 of 4 stars; one submission).

Conditions:
Immunodeficiency 14 (IMD14A). Also called: ACTIVATED PI3K-DELTA SYNDROME 1; Activated PI3K Delta Syndrome Type 1 (APDS1); p110-DELTA-ACTIVATING MUTATION CAUSING SENESCENT T CELLS, LYMPHADENOPATHY, AND IMMUNODEFICIENCY; IMMUNODEFICIENCY 14A WITH LYMPHOPROLIFERATION, AUTOSOMAL DOMINANT. Identifiers: Orphanet 397596, Orphanet 693661, MedGen C5907821, MONDO:0014222, OMIM 615513.

Allele frequency attached by ClinVar (database versions not stated): 1000 Genomes Project 30x 0.00031; gnomAD exomes 0.00001; TOPMed 0.00006; gnomAD 0.00007.
gnomAD v4.1: 19 of 1,536,322 alleles (0.0012%); highest among the groups gnomAD compares: African/African-American, 0.018%; no homozygotes.

Submission:

Labcorp Genetics (formerly Invitae), Labcorp
Classification: Uncertain significance for Activated PI3K-delta syndrome. Last evaluated: 2025-12-20. Review status: criteria provided, single submitter. Criteria: Invitae Variant Classification Sherloc (09022015). Collection method: clinical testing. Allele origin: germline.
Comment: This sequence change replaces valine, which is neutral and non-polar, with methionine, which is neutral and non-polar, at codon 501 of the PIK3CD protein (p.Val501Met). This variant is present in population databases (no rsID available, gnomAD 0.01%). This variant has not been reported in the literature in individuals affected with PIK3CD-related conditions. ClinVar contains an entry for this variant (Variation ID: 1499300). Invitae Evidence Modeling of protein sequence and biophysical properties (such as structural, functional, and spatial information, amino acid conservation, physicochemical variation, residue mobility, and thermodynamic stability) indicates that this missense variant is not expected to disrupt PIK3CD protein function with a negative predictive value of 80%. In summary, the available evidence is currently insufficient to determine the role of this variant in disease. Therefore, it has been classified as a Variant of Uncertain Significance.